The following is an entry in ClinVar:

NM_198586.3(NHLRC1):c.488_542del (p.Gln163fs)

Gene: NHLRC1 (NHL repeat containing E3 ubiquitin protein ligase 1; minus strand). Cytogenetic location: 6p22.3.
Variant type: Deletion.
Coding change: c.488_542del on transcript NM_198586.3 (MANE Select); coding-DNA positions 488 to 542, 55 bases deleted.
Protein change: p.Gln163fs; shifts the reading frame from glutamine 163.
Molecular consequence: frameshift variant.
Genome position (GRCh38, 1-based): chr6:18,122,065-18,122,119, 55 bases deleted. GRCh37 (hg19): chr6:18,122,297-18,122,351.
Other names: short protein forms Q163fs.
Identifiers: ClinVar variation 4279605 (VCV004279605.1).

ClinVar aggregate classification (germline): Likely pathogenic (1 of 4 stars; one submission).

Conditions:
Myoclonic epilepsy of Lafora 2. Also called: EPILEPSY, PROGRESSIVE MYOCLONIC, 2B; NHLRC1-Related Lafora Disease; Epilepsy, progressive myoclonic 2B (Lafora); LAFORA DISEASE 2. Identifiers: MedGen C1850764, MONDO:0800306, OMIM 620681.

Submission:

Diagnostics Services (NGS), CSIR - Centre For Cellular And Molecular Biology
Classification: Likely pathogenic for Myoclonic epilepsy of Lafora 2. Last evaluated: 2025-09-11. Review status: criteria provided, single submitter. Criteria: ACMG Guidelines, 2015. Collection method: clinical testing. Allele origin: germline. Affected: yes. Observed: 1 variant allele, 1 homozygote.
Comment: The c.488_542del variant is not present in publicly available population databases like 1000 Genomes, EVS, gnomAD, Indian Exome Database or our internal database. This variant has neither been published in the literature for NHLRC1-related conditions nor reported to clinical databases like Human Genome Mutation database (HGMD), OMIM, or ClinVar in any affected individuals. In-silico pathogenicity prediction programs like MutationTaster2021, CADD, Franklin, Varsome etc predicted this variant to be likely deleterious. This variant causes frameshift at the 163rd amino acid position of the wild-type transcript which creates a premature translational stop signal at the altered transcript that may either result in translation of a truncated protein or cause nonsense mediated decay of the mRNA.